The following is an entry in ClinVar:

ClinVar aggregate classification (germline): Uncertain significance (1 of 4 stars; one submission).

Conditions:
Hereditary nonpolyposis colorectal neoplasms. Identifiers: MedGen C0009405, MeSH D003123.

Allele frequency attached by ClinVar (database versions not stated): ExAC 0.00001; gnomAD exomes 0.00001.
gnomAD v4.1: 3 of 1,614,152 alleles (0.00019%); highest among the groups gnomAD compares: South Asian, 0.0022%; no homozygotes.

Submission:

Labcorp Genetics (formerly Invitae), Labcorp
Classification: Uncertain significance for Hereditary nonpolyposis colorectal neoplasms. Last evaluated: 2021-10-13. Review status: criteria provided, single submitter. Criteria: Invitae Variant Classification Sherloc (09022015). Collection method: clinical testing. Allele origin: germline.
Comment: This sequence change replaces glutamic acid with lysine at codon 899 of the MSH6 protein (p.Glu899Lys). The glutamic acid residue is weakly conserved and there is a small physicochemical difference between glutamic acid and lysine. In summary, the available evidence is currently insufficient to determine the role of this variant in disease. Therefore, it has been classified as a Variant of Uncertain Significance. Algorithms developed to predict the effect of missense changes on protein structure and function output the following: SIFT: "Tolerated"; PolyPhen-2: "Benign"; Align-GVGD: "Class C0". The lysine amino acid residue is found in multiple mammalian species, which suggests that this missense change does not adversely affect protein function. This variant has not been reported in the literature in individuals affected with MSH6-related conditions. This variant is present in population databases (rs748574765, ExAC 0.002%).

NM_000179.3(MSH6):c.2695G>A (p.Glu899Lys)

Gene: MSH6 (mutS homolog 6; plus strand). Cytogenetic location: 2p16.3.
Variant type: single nucleotide variant.
Coding change: c.2695G>A on transcript NM_000179.3 (MANE Select); coding-DNA position 2695, G replaced by A.
Protein change: p.Glu899Lys; replaces glutamic acid 899 with lysine.
Molecular consequence: missense variant.
Genome position (GRCh38, 1-based): chr2:47,800,678, G>A. VCF-style: chr2-47800678-G-A. GRCh37 (hg19) VCF-style: chr2-48027817-G-A.
Other names: c.2305G>A, p.Glu769Lys (NM_001281492.2); c.1789G>A, p.Glu597Lys (NM_001281493.2, NM_001281494.2); short protein forms E597K, E899K, E769K.
Identifiers: ClinVar variation 850203 (VCV000850203.9), dbSNP rs748574765, ClinGen allele CA069457.